The following is an entry in ClinVar:

ClinVar aggregate classification (germline): Uncertain significance (1 of 4 stars; one submission).

Submission:

GeneDx
Classification: Uncertain significance. Last evaluated: 2022-08-02. Review status: criteria provided, single submitter. Criteria: GeneDx Variant Classification Process June 2021. Collection method: clinical testing. Allele origin: germline. Affected: yes.
Comment: Not observed at significant frequency in large population cohorts (gnomAD); In silico analysis supports that this missense variant has a deleterious effect on protein structure/function; Has not been previously published as pathogenic or benign to our knowledge

NM_001379180.1(ESRRB):c.1108C>T (p.Leu370Phe)

Gene: ESRRB (estrogen related receptor beta; plus strand). Cytogenetic location: 14q24.3.
Variant type: single nucleotide variant.
Coding change: c.1108C>T on transcript NM_001379180.1 (MANE Select); coding-DNA position 1108, C replaced by T.
Protein change: p.Leu370Phe; replaces leucine 370 with phenylalanine.
Molecular consequence: missense variant.
Genome position (GRCh38, 1-based): chr14:76,491,704, C>T. VCF-style: chr14-76491704-C-T. GRCh37 (hg19) VCF-style: chr14-76958047-C-T.
Other names: c.1060C>T, p.Leu354Phe (NM_001411038.1); c.1045C>T, p.Leu349Phe (NM_004452.4); short protein forms L349F, L354F, L370F.
Identifiers: ClinVar variation 2428933 (VCV002428933.3), dbSNP rs775384377, ClinGen allele CA390479332.
Genomic context (GRCh38, chr14:76,491,704, plus strand): 5'-CGCAGGTACAAGAAGCTCAAGGTGGAGAAGGAGGAGTTTGTGACGCTCAAGGCCCTGGCC[C>T]TCGCCAACTCCGGTAAGGGCGGCGGCGGGGCCTGGAAGGGGAGCTTCTAGGGCTCTGCAT-3'
Protein context (NP_001366109.1, residues 360-380): EEFVTLKALA[Leu370Phe]ANSDSMYIED